The following is an entry in ClinVar:

NM_000256.3(MYBPC3):c.4C>A (p.Pro2Thr)

Gene: MYBPC3 (myosin binding protein C3; minus strand). Cytogenetic location: 11p11.2.
Variant type: single nucleotide variant.
Coding change: c.4C>A on transcript NM_000256.3 (MANE Select); coding-DNA position 4, C replaced by A.
Protein change: p.Pro2Thr; replaces proline 2 with threonine.
Molecular consequence: missense variant.
Genome position (GRCh38, 1-based): chr11:47,352,644, G>T on the plus strand (C>A on the coding strand, the complement: MYBPC3 is on the minus strand). VCF-style: chr11-47352644-G-T. GRCh37 (hg19) VCF-style: chr11-47374195-G-T.
Other names: c.4C>A, p.Pro2Thr (LRG_386t1); short protein forms P2T.
Identifiers: ClinVar variation 586162 (VCV000586162.3), dbSNP rs1565632363, ClinGen allele CA380342832.
Genomic context (GRCh38, chr11:47,352,644, plus strand): 5'-TGCTCCCACACTTAGACCCAACCCCAGTCCTAAAGCTACCTGGCTTCTTCCCCGGCTCAG[G>T]CATCCTGAGAGACGTCACACCAGGCACGAAGCAGGCACAGGTCACCCAAAGAGGGACTGA-3'
Protein context (NP_000247.2, residues 1-12): M[Pro2Thr]EPGKKPVSAF

ClinVar aggregate classification (germline): Uncertain significance. Review status: criteria provided, multiple submitters, no conflicts (2 of 4 stars). 2 submissions from 2 submitters: Uncertain significance (2). Last evaluated 2024-06-19.

Conditions:
Cardiovascular phenotype. Identifiers: MedGen CN230736.

Submissions (2):

Athena Diagnostics
Classification: Uncertain significance. Last evaluated: 2024-06-19. Review status: criteria provided, single submitter. Criteria: Athena Diagnostics Criteria. Collection method: clinical testing. Allele origin: unknown.
Comment: Available data are insufficient to determine the clinical significance of the variant at this time. This variant has not been reported in large, multi-ethnic general populations. This variant has been seen where an alternate explanation for disease was also identified, suggesting this variant may not cause disease. Polyphen and MutationTaster yielded discordant predictions regarding whether this amino acid change is damaging to the protein.

Ambry Genetics
Classification: Uncertain significance for Cardiovascular phenotype. Last evaluated: 2024-03-22. Review status: criteria provided, single submitter. Criteria: Ambry Variant Classification Scheme 2023. Collection method: clinical testing. Allele origin: germline.
Comment: The p.P2T variant (also known as c.4C>A), located in coding exon 1 of the MYBPC3 gene, results from a C to A substitution at nucleotide position 4. The proline at codon 2 is replaced by threonine, an amino acid with highly similar properties. This amino acid position is highly conserved in available vertebrate species. In addition, the in silico prediction for this alteration is inconclusive. Based on the available evidence, the clinical significance of this alteration remains unclear.